The following is an entry in ClinVar:

NM_138295.5(PKD1L1):c.3309C>T (p.Ala1103=)

Gene: PKD1L1 (polycystin 1 like 1, transient receptor potential channel interacting; minus strand). Cytogenetic location: 7p12.3.
Variant type: single nucleotide variant.
Coding change: c.3309C>T on transcript NM_138295.5 (MANE Select); coding-DNA position 3309, C replaced by T.
Protein change: p.Ala1103=; no amino-acid change (alanine 1103 retained).
Molecular consequence: synonymous variant.
Genome position (GRCh38, 1-based): chr7:47,882,042, G>A on the plus strand (C>T on the coding strand, the complement: PKD1L1 is on the minus strand). VCF-style: chr7-47882042-G-A. GRCh37 (hg19) VCF-style: chr7-47921640-G-A.
Identifiers: ClinVar variation 724141 (VCV000724141.14), dbSNP rs149119298, ClinGen allele CA4253462.

ClinVar aggregate classification (germline): Benign/Likely benign. Review status: criteria provided, multiple submitters, no conflicts (2 of 4 stars). 3 submissions from 3 submitters: Benign (1); Likely benign (2). Last evaluated 2026-02-01.

Allele frequency attached by ClinVar (database versions not stated): gnomAD exomes 0.00036 and 0.00091; ExAC 0.00108; 1000 Genomes Project 0.00300; 1000 Genomes Project 30x 0.00344; gnomAD 0.00349 and 0.00372; ESP Exome Variant Server 0.00384; TOPMed 0.00419.
gnomAD v4.1: 1,076 of 1,613,820 alleles (0.067%); highest among the groups gnomAD compares: African/African-American, 1.2%; 7 homozygotes.

Submissions (3):

CeGaT Center for Human Genetics Tuebingen
Classification: Likely benign. Last evaluated: 2026-02-01. Review status: criteria provided, single submitter. Criteria: CeGaT Center For Human Genetics Tuebingen Variant Classification Criteria Version 2. Collection method: clinical testing. Allele origin: germline. Affected: yes. Observed: 1 variant allele.
Comment: PKD1L1: BP4, BP7, BS1

Labcorp Genetics (formerly Invitae), Labcorp
Classification: Benign. Last evaluated: 2026-01-20. Review status: criteria provided, single submitter. Criteria: Invitae Variant Classification Sherloc (09022015). Collection method: clinical testing. Allele origin: germline.

Blueprint Genetics
Classification: Likely benign. Last evaluated: 2024-08-15. Review status: criteria provided, single submitter. Criteria: ACMG Guidelines, 2015. Collection method: clinical testing. Allele origin: germline.